The following is an entry in ClinVar:

ClinVar aggregate classification (germline): Uncertain significance (1 of 4 stars; one submission).

Submission:

GeneDx
Classification: Uncertain significance. Last evaluated: 2025-05-14. Review status: criteria provided, single submitter. Criteria: GeneDx Variant Classification Process June 2021. Collection method: clinical testing. Allele origin: germline. Affected: yes.
Comment: Not observed at significant frequency in large population cohorts (gnomAD); In silico analysis supports that this missense variant has a deleterious effect on protein structure/function; Has not been previously published as pathogenic or benign to our knowledge

NM_173660.5(DOK7):c.1357G>A (p.Gly453Ser)

Gene: DOK7 (docking protein 7; plus strand). Cytogenetic location: 4p16.3.
Variant type: single nucleotide variant.
Coding change: c.1357G>A on transcript NM_173660.5 (MANE Select); coding-DNA position 1357, G replaced by A.
Protein change: p.Gly453Ser; replaces glycine 453 with serine.
Molecular consequence: missense variant. On other transcripts: 3 prime UTR variant (1).
Genome position (GRCh38, 1-based): chr4:3,493,343, G>A. VCF-style: chr4-3493343-G-A. GRCh37 (hg19) VCF-style: chr4-3495070-G-A.
Other names: c.*578G>A (NM_001164673.2); c.427G>A, p.Gly143Ser (NM_001256896.2); c.1357G>A, p.Gly453Ser (NM_001301071.2); c.925G>A, p.Gly309Ser (NM_001363811.2); short protein forms G143S, G309S, G453S.
Identifiers: ClinVar variation 4529941 (VCV004529941.1).
Genomic context (GRCh38, chr4:3,493,343, plus strand): 5'-GACTCAGGCGGCCAGACGTCCGCCGGGTGTCCCTCTGGCTGGCTGGGCACGAGACGGCGG[G>A]GCCTGGTGATGGAGGCCCCCCAGGGCAGCGAGGCCACACTGCCTGGCCCTGCCCCTGGCG-3'
Protein context (NP_775931.3, residues 443-463): PSGWLGTRRR[Gly453Ser]LVMEAPQGSE